The following is an entry in ClinVar:

NM_006648.4(WNK2):c.2626A>T (p.Ile876Phe)

Gene: WNK2 (WNK lysine deficient protein kinase 2; plus strand). Cytogenetic location: 9q22.31.
Variant type: single nucleotide variant.
Coding change: c.2626A>T on transcript NM_006648.4 (MANE Select); coding-DNA position 2626, A replaced by T.
Protein change: p.Ile876Phe; replaces isoleucine 876 with phenylalanine.
Molecular consequence: missense variant.
Genome position (GRCh38, 1-based): chr9:93,259,174, A>T. VCF-style: chr9-93259174-A-T. GRCh37 (hg19) VCF-style: chr9-96021456-A-T.
Other names: c.2626A>T, p.Ile876Phe (NM_001282394.3); short protein forms I876F.
Identifiers: ClinVar variation 3981927 (VCV003981927.1).

ClinVar aggregate classification (germline): Uncertain significance (1 of 4 stars; one submission).

Submission:

Ambry Genetics
Classification: Uncertain significance. Last evaluated: 2025-04-20. Review status: criteria provided, single submitter. Criteria: Ambry Variant Classification Scheme 2023. Collection method: clinical testing. Allele origin: germline.
Comment: The p.I876F variant (also known as c.2626A>T), located in coding exon 11 of the WNK2 gene, results from an A to T substitution at nucleotide position 2626. The isoleucine at codon 876 is replaced by phenylalanine, an amino acid with highly similar properties. This amino acid position is conserved. In addition, the in silico prediction for this alteration is inconclusive. Based on the available evidence, the clinical significance of this variant remains unclear.